The following is an entry in ClinVar:

ClinVar aggregate classification (germline): Uncertain significance (1 of 4 stars; one submission).

Conditions:
Familial temporal lobe epilepsy 7. Identifiers: Orphanet 101046, MedGen C4225327, MONDO:0014639, OMIM 616436.
Norman-Roberts syndrome (LIS2). Also called: Lissencephaly 2 (Norman-Roberts type). Identifiers: Orphanet 89844, MedGen C0796089, MONDO:0009760, OMIM 257320.

Allele frequency attached by ClinVar (database versions not stated): gnomAD exomes below 0.00001; TOPMed below 0.00001.

Submission:

Labcorp Genetics (formerly Invitae), Labcorp
Classification: Uncertain significance for Familial temporal lobe epilepsy 7; Norman-Roberts syndrome. Last evaluated: 2023-10-07. Review status: criteria provided, single submitter. Criteria: Invitae Variant Classification Sherloc (09022015). Collection method: clinical testing. Allele origin: germline.
Comment: This sequence change replaces methionine, which is neutral and non-polar, with valine, which is neutral and non-polar, at codon 1450 of the RELN protein (p.Met1450Val). This variant is not present in population databases (gnomAD no frequency). This variant has not been reported in the literature in individuals affected with RELN-related conditions. Advanced modeling of protein sequence and biophysical properties (such as structural, functional, and spatial information, amino acid conservation, physicochemical variation, residue mobility, and thermodynamic stability) performed at Invitae indicates that this missense variant is not expected to disrupt RELN protein function. In summary, the available evidence is currently insufficient to determine the role of this variant in disease. Therefore, it has been classified as a Variant of Uncertain Significance.

NM_005045.4(RELN):c.4348A>G (p.Met1450Val)

Gene: RELN (reelin; minus strand). Cytogenetic location: 7q22.1.
Variant type: single nucleotide variant.
Coding change: c.4348A>G on transcript NM_005045.4 (MANE Select); coding-DNA position 4348, A replaced by G.
Protein change: p.Met1450Val; replaces methionine 1450 with valine.
Molecular consequence: missense variant.
Genome position (GRCh38, 1-based): chr7:103,574,255, T>C on the plus strand (A>G on the coding strand, the complement: RELN is on the minus strand). VCF-style: chr7-103574255-T-C. GRCh37 (hg19) VCF-style: chr7-103214702-T-C.
Other names: c.4348A>G, p.Met1450Val (NM_173054.3); short protein forms M1450V.
Identifiers: ClinVar variation 2934802 (VCV002934802.3), dbSNP rs1830947107, ClinGen allele CA368751224.